The following is an entry in ClinVar:

NM_001171.6(ABCC6):c.2884T>C (p.Phe962Leu)

Gene: ABCC6 (ATP binding cassette subfamily C member 6; minus strand). Cytogenetic location: 16p13.11.
Variant type: single nucleotide variant.
Coding change: c.2884T>C on transcript NM_001171.6 (MANE Select); coding-DNA position 2884, T replaced by C.
Protein change: p.Phe962Leu; replaces phenylalanine 962 with leucine.
Molecular consequence: missense variant. On other transcripts: non-coding transcript variant (1).
Genome position (GRCh38, 1-based): chr16:16,169,757, A>G on the plus strand (T>C on the coding strand, the complement: ABCC6 is on the minus strand). VCF-style: chr16-16169757-A-G. GRCh37 (hg19) VCF-style: chr16-16263614-A-G.
Other names: c.2542T>C, p.Phe848Leu (NM_001351800.1); short protein forms F962L, F848L.
Identifiers: ClinVar variation 1976932 (VCV001976932.5), dbSNP rs751120477, ClinGen allele CA7925759.

ClinVar aggregate classification (germline): Uncertain significance (1 of 4 stars; one submission).

Allele frequency attached by ClinVar (database versions not stated): gnomAD exomes below 0.00001; gnomAD 0.00001; ExAC 0.00002; TOPMed 0.00003.
gnomAD v4.1: 3 of 1,603,382 alleles (0.00019%); highest among the groups gnomAD compares: Admixed American, 0.0017%; no homozygotes.

Submission:

Labcorp Genetics (formerly Invitae), Labcorp
Classification: Uncertain significance. Last evaluated: 2022-10-24. Review status: criteria provided, single submitter. Criteria: Invitae Variant Classification Sherloc (09022015). Collection method: clinical testing. Allele origin: germline.
Comment: In summary, the available evidence is currently insufficient to determine the role of this variant in disease. Therefore, it has been classified as a Variant of Uncertain Significance. This sequence change replaces phenylalanine, which is neutral and non-polar, with leucine, which is neutral and non-polar, at codon 962 of the ABCC6 protein (p.Phe962Leu). This variant is present in population databases (rs751120477, gnomAD 0.001%). This variant has not been reported in the literature in individuals affected with ABCC6-related conditions. Algorithms developed to predict the effect of missense changes on protein structure and function output the following: SIFT: "Tolerated"; PolyPhen-2: "Benign"; Align-GVGD: "Class C0". The leucine amino acid residue is found in multiple mammalian species, which suggests that this missense change does not adversely affect protein function.